The following is an entry in ClinVar:

ClinVar aggregate classification (germline): Pathogenic (1 of 4 stars; one submission).

Conditions:
Bardet-Biedl syndrome (BBS). Identifiers: Orphanet 110, MedGen C0752166, MONDO:0015229.

Submission:

Labcorp Genetics (formerly Invitae), Labcorp
Classification: Pathogenic for Bardet-Biedl syndrome. Last evaluated: 2023-05-19. Review status: criteria provided, single submitter. Criteria: Invitae Variant Classification Sherloc (09022015). Collection method: clinical testing. Allele origin: unknown.
Comment: For these reasons, this variant has been classified as Pathogenic. This variant has not been reported in the literature in individuals affected with BBS9-related conditions. This variant is a gross deletion of the genomic region encompassing exon(s) 6 of the BBS9 gene. This deletion is out-of-frame, and is expected to create a premature termination codon and result in an absent or disrupted protein product. Loss-of-function variants in BBS9 are known to be pathogenic (PMID: 16380913, 20177705).

Literature cited by the submitters: PubMed 16380913; PubMed 20177705.

NC_000007.13:g.(?_33296828)_(33297042_?)del

Gene: BBS9 (Bardet-Biedl syndrome 9; plus strand). Cytogenetic location: 7p14.3.
Variant type: Deletion.
Identifiers: ClinVar variation 3245733 (VCV003245733.1).